The following is an entry in ClinVar:

NM_001165963.4(SCN1A):c.301C>T (p.Arg101Trp)

Gene: SCN1A (sodium voltage-gated channel alpha subunit 1; minus strand). Cytogenetic location: 2q24.3.
Variant type: single nucleotide variant.
Coding change: c.301C>T on transcript NM_001165963.4 (MANE Select); coding-DNA position 301, C replaced by T.
Protein change: p.Arg101Trp; replaces arginine 101 with tryptophan.
Molecular consequence: missense variant. On other transcripts: 5 prime UTR variant (1), non-coding transcript variant (1).
Genome position (GRCh38, 1-based): chr2:166,058,652, G>A on the plus strand (C>T on the coding strand, the complement: SCN1A is on the minus strand). VCF-style: chr2-166058652-G-A. GRCh37 (hg19) VCF-style: chr2-166915162-G-A.
Other names: NP_001159435.1:p.(Arg101Trp); c.301C>T, p.Arg101Trp (NM_001165964.3, NM_001202435.3, NM_001353948.2 and 10 more transcripts); c.-2125C>T (NM_001353961.2); c.301C>T (NM_001202435.1); short protein forms R101W.
Identifiers: ClinVar variation 68527 (VCV000068527.67), dbSNP rs121917965, ClinGen allele CA284919.

ClinVar aggregate classification (germline): Pathogenic/Likely pathogenic. Review status: criteria provided, multiple submitters, no conflicts (2 of 4 stars). 13 submissions from 13 submitters: Pathogenic (9); Likely pathogenic (3). 1 of the submissions does not count toward it. Last evaluated 2026-01-19.

Conditions:
Early-infantile DEE. Also called: Ohtahara syndrome; Early infantile epileptic encephalopathy with suppression bursts; Early infantile epileptic encephalopathy. Identifiers: Orphanet 1934, MedGen C0393706, MONDO:0800491.
SCN1A-related disorder. Also called: SCN1A-related disorders; SCN1A-related conditions; SCN1A-related condition.
Migraine, familial hemiplegic, 3. Identifiers: Orphanet 569, MedGen C1864987, MONDO:0012320, OMIM 609634.
Severe myoclonic epilepsy in infancy (DRVT). Also called: DEVELOPMENTAL AND EPILEPTIC ENCEPHALOPATHY 6A; Severe Myoclonic Epilepsy in Infancy (SMEI); Epileptic encephalopathy, early infantile, 6 (Dravet syndrome); SEVERE MYOCLONIC EPILEPSY OF INFANCY; Dravet syndrome. Identifiers: Orphanet 33069, MedGen C0751122, MONDO:0100135, OMIM 607208.

Submissions (13):

Labcorp Genetics (formerly Invitae), Labcorp
Classification: Pathogenic for Early-infantile DEE. Last evaluated: 2026-01-19. Review status: criteria provided, single submitter. Criteria: Invitae Variant Classification Sherloc (09022015). Collection method: clinical testing. Allele origin: germline.
Comment: This sequence change replaces arginine, which is basic and polar, with tryptophan, which is neutral and slightly polar, at codon 101 of the SCN1A protein (p.Arg101Trp). This variant is not present in population databases (gnomAD no frequency). This missense change has been observed in individual(s) with severe myoclonic epilepsyof infancy (SMEI) and Dravet Syndrome (PMID: 17347258, 20431604, 24168886, 27113213, 27236449). In at least one individual the variant was observed to be de novo. ClinVar contains an entry for this variant (Variation ID: 68527). Invitae Evidence Modeling of protein sequence and biophysical properties (such as structural, functional, and spatial information, amino acid conservation, physicochemical variation, residue mobility, and thermodynamic stability) indicates that this missense variant is expected to disrupt SCN1A protein function with a positive predictive value of 95%. Algorithms developed to predict the effect of sequence changes on RNA splicing suggest that this variant may disrupt the consensus splice site. This variant disrupts the p.Arg101 amino acid residue in SCN1A. Other variant(s) that disrupt this residue have been determined to be pathogenic (PMID: 20431604, 23195492, 23808377, 24328833, 25885068). This suggests that this residue is clinically significant, and that variants that disrupt this residue are likely to be disease-causing. For these reasons, this variant has been classified as Pathogenic.

GeneDx
Classification: Likely pathogenic. Last evaluated: 2025-10-23. Review status: criteria provided, single submitter. Criteria: GeneDx Variant Classification Process June 2021. Collection method: clinical testing. Allele origin: germline. Affected: yes.
Comment: This substitution is predicted to be within the N-terminal cytoplasmic domain; In silico analysis supports that this missense variant has a deleterious effect on protein structure/function; Not observed at significant frequency in large population cohorts (gnomAD); This variant is associated with the following publications: (PMID: 19585586, 20431604, 26096185, 27113213, 27236449, 29933521, 38174099, 39181834, 17347258, 18930999, 29852413, 30619928, 31164858, 31864146, 32090326, 29573403, 33278787, 31031587, 35074891, 31440721, 35944423, 39838578)

Genetics and Genomic Medicine Centre, NeuroGen Healthcare, NeuroGen Healthcare
Classification: Pathogenic for Severe myoclonic epilepsy in infancy. Last evaluated: 2025-03-18. Review status: criteria provided, single submitter. Criteria: ACMG Guidelines, 2015. Collection method: clinical testing. Allele origin: unknown. Affected: yes.

PreventionGenetics, part of Exact Sciences
Classification: Pathogenic for SCN1A-related condition. Last evaluated: 2024-12-08. Review status: criteria provided, single submitter. Criteria: ACMG Guidelines, 2015. Collection method: clinical testing. Allele origin: germline.
Comment: The SCN1A c.301C>T variant is predicted to result in the amino acid substitution p.Arg101Trp. This variant has been reported in several individuals with Dravet syndrome or severe myoclonic epilepsy of infancy; in several cases, this variant was determined to have arisen de novo (see for example, supplementary data, Harkin et al 2007. PubMed ID: 17347258; Usluer et al. 2016. PubMed ID: 27236449; Demos et al. 2019. PubMed ID: 31164858; Gertler et al. 2019. PubMed ID: 31864146). This variant has not been reported in a large population database, indicating it is rare. This variant is interpreted as pathogenic.

Institute of Human Genetics, University of Leipzig Medical Center
Classification: Pathogenic for Severe myoclonic epilepsy in infancy. Last evaluated: 2024-08-30. Review status: criteria provided, single submitter. Criteria: ACMG Guidelines, 2015. Collection method: clinical testing. Allele origin: de novo. Inheritance: Autosomal dominant inheritance. Affected: yes.
Comment: Criteria applied: PM5_STR,PS2_MOD,PS4_MOD,PM2_SUP,PP2,PP3

CeGaT Center for Human Genetics Tuebingen
Classification: Pathogenic. Last evaluated: 2022-01-01. Review status: criteria provided, single submitter. Criteria: CeGaT Center For Human Genetics Tuebingen Variant Classification Criteria Version 2. Collection method: clinical testing. Allele origin: germline. Affected: yes. Observed: 5 variant alleles.

Blueprint Genetics
Classification: Pathogenic for SCN1A-related disorders. Last evaluated: 2021-03-18. Review status: criteria provided, single submitter. Criteria: ACMG Guidelines, 2015. Collection method: clinical testing. Allele origin: germline. Affected: yes. Observed: 2 variant alleles.

Unidad de Genómica Garrahan, Hospital de Pediatría Garrahan
Classification: Likely pathogenic for Severe myoclonic epilepsy in infancy. Last evaluated: 2021-01-01. Review status: criteria provided, single submitter. Criteria: ACMG Guidelines, 2015. Collection method: clinical testing. Allele origin: de novo. Affected: yes. Observed: 1 variant allele.

Centre for Mendelian Genomics, University Medical Centre Ljubljana
Classification: Pathogenic for Migraine, familial hemiplegic, 3. Last evaluated: 2019-05-06. Review status: criteria provided, single submitter. Criteria: ACMG Guidelines, 2015. Collection method: clinical testing. Allele origin: unknown. Affected: yes.
Comment: This variant was classified as: Pathogenic. The following ACMG criteria were applied in classifying this variant: PS1,PP2,PP3,PM2,PM1.

Eurofins Ntd Llc (ga)
Classification: Pathogenic. Last evaluated: 2016-08-31. Review status: criteria provided, single submitter. Criteria: EGL Classification Definitions 2015. Collection method: clinical testing. Allele origin: germline. Observed: 1 variant allele, 1 heterozygote.

Center for Bioinformatics, Peking University
Classification: Pathogenic for Dravet syndrome. Last evaluated: 2014-12-20. Review status: criteria provided, single submitter. Criteria: Xu et al. (Hum Mutat. 2015). Collection method: research. Allele origin: de novo. Affected: yes. Observed: 2 variant alleles. Study: University Clinical Cooperation “985 Project” PKU-2014-1-1.
Comment: Dravet syndrome (DS) probands were recruited from the outpatient and inpatient child neurology units of Peking University First Hospital from 2005 till present. The study was approved by the Ethics Committee of Peking University First Hospital and the Institutional Review Board at Peking University. Participants or their parents provided written informed consent before enrollment. We collected a total of 267 mutations from 255 families with probands diagnosed with DS in China. All probands fulfilled the clinical diagnostic criteria.

Lifecell International Pvt. Ltd
Classification: Likely pathogenic for Severe myoclonic epilepsy in infancy. Review status: criteria provided, single submitter. Criteria: ACMG Guidelines 2015. Collection method: clinical testing. Allele origin: germline. Inheritance: Autosomal dominant inheritance. Affected: yes. Observed: 1 variant allele, 1 heterozygote.
Comment: A heterozygous missense variant (c.301C>T) in exon 5 of the SCN1A gene that results in the amino acid substitution from Arginine to Tryptophan at codon 101 (p.Arg101Trp) was identified. There is a moderate physicochemical difference between Arginine and Tryptophan. The observed variant is not present in both the 1000 Genomes and gnomAD databases. The reference base is conserved across the species and in-silico predictions by Polyphen and SIFT are damaging. The Missense Variants Z-Score for this variant is 5.61. Missense Variants Z-Score is produced by the Exome Aggregation Consortium (60,706 adult humans) by computing a signed Z score for the deviation of observed counts from the expected number. Positive Z scores indicate increased constraint (intolerance to variation) and therefore that the gene had fewer missense variants than expected. (DOI: 10.1038/nature19057). This variant has previously been reported for Dravet syndrome by Usluer S et al., 2016. This variant has been reported to ClinVar as Pathogenic with a status of (2 stars) criteria provided, multiple submitters, no conflicts (Variation ID 68527 as of 2020-06-04). Based on the above evidence this variant has been classified as Likely pathogenic according to the ACMG guidelines.

UniProtKB/Swiss-Prot
No classification provided. Condition: Severe myoclonic epilepsy in infancy. Review status: no classification provided. Collection method: not provided. Allele origin: unknown. Not counted in ClinVar's aggregate classification.

Literature cited by the submitters: PubMed 17347258 (cited by Labcorp Genetics (formerly Invitae), Labcorp); PubMed 20431604 (cited by Labcorp Genetics (formerly Invitae), Labcorp); PubMed 24168886 (cited by Labcorp Genetics (formerly Invitae), Labcorp); PubMed 27113213 (cited by Labcorp Genetics (formerly Invitae), Labcorp); PubMed 27236449 (cited by Labcorp Genetics (formerly Invitae), Labcorp); PubMed 23195492 (cited by Labcorp Genetics (formerly Invitae), Labcorp); PubMed 23808377 (cited by Labcorp Genetics (formerly Invitae), Labcorp); PubMed 24328833 (cited by Labcorp Genetics (formerly Invitae), Labcorp); PubMed 25885068 (cited by Labcorp Genetics (formerly Invitae), Labcorp); DOI 10.1055/s-0044-1786365 (cited by Unidad de Genómica Garrahan, Hospital de Pediatría Garrahan).